The following is an entry in ClinVar:

NM_001384479.1(AGT):c.829+1G>T

Gene: AGT (angiotensinogen; minus strand). Cytogenetic location: 1q42.2.
Variant type: single nucleotide variant.
Coding change: c.829+1G>T on transcript NM_001384479.1 (MANE Select); the canonical splice donor site of the intron after coding-DNA position 829, G replaced by T.
Molecular consequence: splice donor variant.
Genome position (GRCh38, 1-based): chr1:230,709,994, C>A on the plus strand (G>T on the coding strand, the complement: AGT is on the minus strand). VCF-style: chr1-230709994-C-A. GRCh37 (hg19) VCF-style: chr1-230845740-C-A.
Other names: NM_000029.3:c.856+1G>T; c.829+1G>T (NM_001382817.3).
Identifiers: ClinVar variation 429788 (VCV000429788.8), dbSNP rs747815674, ClinGen allele CA1448217.

ClinVar aggregate classification (germline): Pathogenic/Likely pathogenic. Review status: criteria provided, multiple submitters, no conflicts (2 of 4 stars). 5 submissions from 5 submitters: Pathogenic (3); Likely pathogenic (2). Last evaluated 2025-07-21.

Conditions:
Renal tubular dysgenesis of genetic origin. Also called: PRIMITIVE RENAL TUBULE SYNDROME. Identifiers: Orphanet 97369, MedGen C5681536, MONDO:0009970, OMIM 267430.
Essential hypertension, genetic (EHT). Identifiers: MedGen CN305331, MONDO:0007781, OMIM 145500.

Allele frequency attached by ClinVar (database versions not stated): TOPMed below 0.00001; gnomAD 0.00001; gnomAD exomes 0.00001 and 0.00006; ExAC 0.00003.
gnomAD v4.1: 15 of 1,614,052 alleles (0.00093%); highest among the groups gnomAD compares: East Asian, 0.029%; no homozygotes.

Submissions (5):

Dasa
Classification: Pathogenic. Last evaluated: 2025-07-21. Review status: criteria provided, single submitter. Criteria: DASA Assertion Criteria. Collection method: clinical testing. Allele origin: germline.
Comment: NM_001384479.1(AGT):c.829+1G>T introduces a premature termination codon predicted to result in loss of normal protein function. Loss-of-function is an established mechanism of disease for this gene. Segregation evidence has been reported in affected families. This variant has been observed in affected individuals with related phenotype in a genotype context consistent with recessive disease (PMID: 38972007; PMID: 34234805). Functional evidence supports a deleterious effect on the gene or gene product (PMID: 38972007; PMID: 34234805). This variant has been recurrently observed in individuals with related phenotype (PMID: 38972007; PMID: 34234805). The variant is present at low frequency in population datasets. Based on the available data, this variant is classified as pathogenic.

GeneDx
Classification: Pathogenic. Last evaluated: 2024-08-21. Review status: criteria provided, single submitter. Criteria: GeneDx Variant Classification Process June 2021. Collection method: clinical testing. Allele origin: germline. Affected: yes.
Comment: Canonical splice site variant predicted to result in a null allele in a gene for which loss of function is a known mechanism of disease; This variant is associated with the following publications: (PMID: 38972007, 31930100, 34234805, 34976032)

Department of Pathology and Laboratory Medicine, Sinai Health System
Classification: Likely pathogenic for Renal tubular dysgenesis of genetic origin. Last evaluated: 2023-03-29. Review status: criteria provided, single submitter. Criteria: ACMG Guidelines, 2015. Collection method: research. Allele origin: germline.

Fulgent Genetics
Classification: Likely pathogenic for Essential hypertension, genetic; Renal tubular dysgenesis of genetic origin. Last evaluated: 2021-12-23. Review status: criteria provided, single submitter. Criteria: ACMG Guidelines, 2015. Collection method: clinical testing. Allele origin: unknown.

Juno Genomics, Hangzhou Juno Genomics, Inc
Classification: Pathogenic for Renal tubular dysgenesis of genetic origin. Review status: criteria provided, single submitter. Criteria: ACMG Guidelines, 2015. Collection method: clinical testing. Allele origin: germline.
Comment: Absent from controls (or at extremely low frequency if recessive) in Genome Aggregation Database.;Null variant in a gene where loss of function (LOF) is a known mechanism of disease.;For recessive disorders, detected in trans with a pathogenic variant.;Patient's phenotype or family history is highly specific for a disease with a single genetic etiology.;Co-segregation with disease in multiple affected family members.

Literature cited by the submitters: PubMed 38972007 (cited by Dasa); PubMed 34234805 (cited by Dasa).